The following is an entry in ClinVar:

ClinVar aggregate classification (germline): Conflicting classifications of pathogenicity. Review status: criteria provided, conflicting classifications (1 of 4 stars). 5 submissions from 4 submitters: Uncertain significance (2); Benign (1); Likely benign (1). 1 of the submissions does not count toward it. Last evaluated 2026-02-02.

Conditions:
Epidermodysplasia verruciformis, susceptibility to, 2. Also called: Epidermodysplasia verruciformis 2. Identifiers: MedGen C4722258, MONDO:0032614, OMIM 618231.
Epidermodysplasia verruciformis, susceptibility to, 1. Identifiers: Orphanet 302, MedGen C4722564, MONDO:0100045, OMIM 226400.
TMC8-related disorder. Also called: TMC8-related condition.
Epidermodysplasia verruciformis. Identifiers: Orphanet 302, MedGen C0014522, MONDO:0009176.

Allele frequency attached by ClinVar (database versions not stated): 1000 Genomes Project 0.00220; ESP Exome Variant Server 0.00246; 1000 Genomes Project 30x 0.00250; TOPMed 0.00316; gnomAD exomes 0.00340 and 0.00402; gnomAD 0.00357 and 0.00364; ExAC 0.00489.
gnomAD v4.1: 6,316 of 1,606,402 alleles (0.39%); highest among the groups gnomAD compares: Non-Finnish European, 0.45%; 27 homozygotes.

Submissions (5):

Labcorp Genetics (formerly Invitae), Labcorp
Classification: Benign for Epidermodysplasia verruciformis. Last evaluated: 2026-02-02. Review status: criteria provided, single submitter. Criteria: Invitae Variant Classification Sherloc (09022015). Collection method: clinical testing. Allele origin: germline.

CeGaT Center for Human Genetics Tuebingen
Classification: Likely benign. Last evaluated: 2025-12-01. Review status: criteria provided, single submitter. Criteria: CeGaT Center For Human Genetics Tuebingen Variant Classification Criteria Version 2. Collection method: clinical testing. Allele origin: germline. Affected: yes. Observed: 4 variant alleles.
Comment: TMC8: BS2

Center for Genomics, Ann and Robert H. Lurie Children's Hospital of Chicago
Classification: Uncertain significance for Epidermodysplasia verruciformis, susceptibility to, 2. Last evaluated: 2021-03-30. Review status: criteria provided, single submitter. Criteria: ACMG Guidelines, 2015. Collection method: clinical testing. Allele origin: germline.
Comment: TMC8 NM_152468.4 exon 16 p.Pro661Leu (c.1982C>T): This variant has not been reported in the literature but is present in 0.8% (90/10628) of Finnish alleles as well as in the homozygous state in the European and Latino alleles in the Genome Aggregation Database). This variant is present in ClinVar (Variation ID:456026). Evolutionary conservation and computational predictive tools for this variant are unclear. In summary, data on this variant is insufficient for disease classification. Therefore, the clinical significance of this variant is uncertain.

Center for Genomics, Ann and Robert H. Lurie Children's Hospital of Chicago
Classification: Uncertain significance for Epidermodysplasia verruciformis, susceptibility to, 1. Last evaluated: 2020-11-25. Review status: criteria provided, single submitter. Criteria: ACMG Guidelines, 2015. Collection method: clinical testing. Allele origin: germline.
Comment: the same text as in the submission from Center for Genomics, Ann and Robert H. Lurie Children's Hospital of Chicago above.

PreventionGenetics, part of Exact Sciences
Classification: Benign for TMC8-related condition. Last evaluated: 2019-09-23. Review status: no assertion criteria provided. Collection method: clinical testing. Allele origin: germline. Not counted in ClinVar's aggregate classification.
Comment: This variant is classified as benign based on ACMG/AMP sequence variant interpretation guidelines (Richards et al. 2015 PMID: 25741868, with internal and published modifications).

NM_152468.5(TMC8):c.1982C>T (p.Pro661Leu)

Gene: TMC8 (transmembrane channel like 8; plus strand). Cytogenetic location: 17q25.3.
Variant type: single nucleotide variant.
Coding change: c.1982C>T on transcript NM_152468.5 (MANE Select); coding-DNA position 1982, C replaced by T.
Protein change: p.Pro661Leu; replaces proline 661 with leucine.
Molecular consequence: missense variant.
Genome position (GRCh38, 1-based): chr17:78,140,913, C>T. VCF-style: chr17-78140913-C-T. GRCh37 (hg19) VCF-style: chr17-76136994-C-T.
Other names: short protein forms P661L.
Identifiers: ClinVar variation 456026 (VCV000456026.35), dbSNP rs139972217, ClinGen allele CA8797112.